The following is an entry in ClinVar:

NM_000483.5(APOC2):c.188A>G (p.Tyr63Cys)

Genes: APOC2 (apolipoprotein C2; plus strand), APOC4-APOC2 (APOC4-APOC2 readthrough (NMD candidate); plus strand). Cytogenetic location: 19q13.32.
Variant type: single nucleotide variant.
Coding change: c.188A>G on transcript NM_000483.5 (MANE Select); coding-DNA position 188, A replaced by G.
Protein change: p.Tyr63Cys; replaces tyrosine 63 with cysteine.
Molecular consequence: missense variant. On other transcripts: non-coding transcript variant (1).
Genome position (GRCh38, 1-based): chr19:44,948,833, A>G. VCF-style: chr19-44948833-A-G. GRCh37 (hg19) VCF-style: chr19-45452090-A-G.
Other names: short protein forms Y63C.
Identifiers: ClinVar variation 4862958 (VCV004862958.1).

ClinVar aggregate classification (germline): Uncertain significance (1 of 4 stars; one submission).

Conditions:
Cardiovascular phenotype. Identifiers: MedGen CN230736.

Submission:

Ambry Genetics
Classification: Uncertain significance for Cardiovascular phenotype. Last evaluated: 2026-06-09. Review status: criteria provided, single submitter. Criteria: Ambry Variant Classification Scheme 2023. Collection method: clinical testing. Allele origin: germline.
Comment: The p.Y63C variant (also known as c.188A>G), located in coding exon 2 of the APOC2 gene, results from an A to G substitution at nucleotide position 188. The tyrosine at codon 63 is replaced by cysteine, an amino acid with highly dissimilar properties. This amino acid position is conserved. In addition, this alteration is predicted to be tolerated by in silico analysis. Based on the available evidence, the clinical significance of this variant remains unclear.